The following is an entry in ClinVar:

NM_001122955.4(BSCL2):c.629C>T (p.Ser210Leu)

Genes: BSCL2 (BSCL2 lipid droplet biogenesis associated, seipin; minus strand), HNRNPUL2-BSCL2 (HNRNPUL2-BSCL2 readthrough (NMD candidate); minus strand). Cytogenetic location: 11q12.3.
Variant type: single nucleotide variant.
Coding change: c.629C>T on transcript NM_001122955.4 (MANE Select); coding-DNA position 629, C replaced by T.
Protein change: p.Ser210Leu; replaces serine 210 with leucine.
Molecular consequence: missense variant. On other transcripts: non-coding transcript variant (1).
Genome position (GRCh38, 1-based): chr11:62,694,569, G>A on the plus strand (C>T on the coding strand, the complement: BSCL2 is on the minus strand). VCF-style: chr11-62694569-G-A. GRCh37 (hg19) VCF-style: chr11-62462041-G-A.
Other names: c.437C>T, p.Ser146Leu (NM_001130702.2, NM_032667.6); c.629C>T, p.Ser210Leu (NM_001386027.1, NM_001386028.1); short protein forms S210L, S146L.
Identifiers: ClinVar variation 1030050 (VCV001030050.2), dbSNP rs778486956, ClinGen allele CA6053517.
Genomic context (GRCh38, chr11:62,694,569, plus strand): 5'-ACCCATTCTGATCCTGCCATCTTCCTCCACACCTTCTCAGACAGGCCACCAACACTTACC[G>A]AACGCGAAGAAGTGGAGATGATTCGGCCACCTCTGGTGTAGCAGGAAATGGTGACCAAGA-3'
Protein context (NP_001116427.1, residues 200-220): GGRIISTSSR[Ser210Leu]VMLHYRSDLL

ClinVar aggregate classification (germline): Uncertain significance. Review status: criteria provided, multiple submitters, no conflicts (2 of 4 stars). 2 submissions from 2 submitters: Uncertain significance (2). Last evaluated 2025-10-28.

Conditions:
Charcot-Marie-Tooth disease type 2. Also called: Charcot-Marie-Tooth type 2. Identifiers: Orphanet 64746, MedGen C0270914, MONDO:0018993.
Hereditary spastic paraplegia 17. Also called: Silver spastic paraplegia syndrome; Spastic Paraplegia 17; Autosomal dominant spastic paraplegia type 17; Silver Syndrome; SPASTIC PARAPLEGIA WITH AMYOTROPHY OF HANDS AND FEET. Identifiers: Orphanet 100998, MedGen C2931276, MONDO:0010043, OMIM 270685.

Allele frequency attached by ClinVar (database versions not stated): ExAC 0.00002; gnomAD exomes 0.00001; TOPMed below 0.00001.
gnomAD v4.1: 19 of 1,613,784 alleles (0.0012%); highest among the groups gnomAD compares: Admixed American, 0.0033%; no homozygotes.

Submissions (2):

Labcorp Genetics (formerly Invitae), Labcorp
Classification: Uncertain significance for Charcot-Marie-Tooth disease type 2. Last evaluated: 2025-10-28. Review status: criteria provided, single submitter. Criteria: Invitae Variant Classification Sherloc (09022015). Collection method: clinical testing. Allele origin: germline.
Comment: This sequence change replaces serine, which is neutral and polar, with leucine, which is neutral and non-polar, at codon 146 of the BSCL2 protein (p.Ser146Leu). This variant is present in population databases (rs778486956, gnomAD 0.003%). This variant has not been reported in the literature in individuals affected with BSCL2-related conditions. ClinVar contains an entry for this variant (Variation ID: 1030050). An algorithm developed to predict the effect of missense changes on protein structure and function (PolyPhen-2) suggests that this variant is likely to be disruptive. In summary, the available evidence is currently insufficient to determine the role of this variant in disease. Therefore, it has been classified as a Variant of Uncertain Significance.

Baylor Genetics
Classification: Uncertain significance for Hereditary spastic paraplegia 17. Last evaluated: 2019-11-06. Review status: criteria provided, single submitter. Criteria: ACMG Guidelines, 2015. Collection method: clinical testing. Allele origin: unknown. Affected: yes.
Comment: This variant was determined to be of uncertain significance according to ACMG Guidelines, 2015 [PMID:25741868].